The following is an entry in ClinVar:

NM_004629.2(FANCG):c.1634C>T (p.Pro545Leu)

Gene: FANCG (FA complementation group G; minus strand). Cytogenetic location: 9p13.3.
Variant type: single nucleotide variant.
Coding change: c.1634C>T on transcript NM_004629.2 (MANE Select); coding-DNA position 1634, C replaced by T.
Protein change: p.Pro545Leu; replaces proline 545 with leucine.
Molecular consequence: missense variant.
Genome position (GRCh38, 1-based): chr9:35,074,929, G>A on the plus strand (C>T on the coding strand, the complement: FANCG is on the minus strand). VCF-style: chr9-35074929-G-A. GRCh37 (hg19) VCF-style: chr9-35074926-G-A.
Other names: short protein forms P545L.
Identifiers: ClinVar variation 3848420 (VCV003848420.1).

ClinVar aggregate classification (germline): Uncertain significance (1 of 4 stars; one submission).

Conditions:
Inborn genetic diseases. Identifiers: MedGen C0950123, MeSH D030342.

Submission:

Ambry Genetics
Classification: Uncertain significance for Inborn genetic diseases. Last evaluated: 2025-01-27. Review status: criteria provided, single submitter. Criteria: Ambry Variant Classification Scheme 2023. Collection method: clinical testing. Allele origin: germline.
Comment: The p.P545L variant (also known as c.1634C>T), located in coding exon 12 of the FANCG gene, results from a C to T substitution at nucleotide position 1634. The proline at codon 545 is replaced by leucine, an amino acid with similar properties. This amino acid position is conserved. In addition, the in silico prediction for this alteration is inconclusive. Based on the available evidence, the clinical significance of this variant remains unclear.